The following is an entry in ClinVar:

ClinVar aggregate classification (germline): Uncertain significance (1 of 4 stars; one submission).

Conditions:
Nephronophthisis 14 (NPHP14). Identifiers: Orphanet 2318, MedGen C3539071, MONDO:0013916, OMIM 614844.

Allele frequency attached by ClinVar (database versions not stated): ExAC 0.00001; gnomAD exomes 0.00002 and 0.00003; gnomAD 0.00004; TOPMed 0.00005.
gnomAD v4.1: 30 of 1,613,588 alleles (0.0019%); highest among the groups gnomAD compares: African/African-American, 0.011%; no homozygotes.

Submission:

Labcorp Genetics (formerly Invitae), Labcorp
Classification: Uncertain significance for Nephronophthisis 14. Last evaluated: 2022-06-15. Review status: criteria provided, single submitter. Criteria: Invitae Variant Classification Sherloc (09022015). Collection method: clinical testing. Allele origin: germline.
Comment: This sequence change replaces serine, which is neutral and polar, with leucine, which is neutral and non-polar, at codon 689 of the ZNF423 protein (p.Ser689Leu). This variant is present in population databases (rs745433383, gnomAD 0.02%). This variant has not been reported in the literature in individuals affected with ZNF423-related conditions. Algorithms developed to predict the effect of missense changes on protein structure and function are either unavailable or do not agree on the potential impact of this missense change (SIFT: "Tolerated"; PolyPhen-2: "Probably Damaging"; Align-GVGD: "Class C0"). In summary, the available evidence is currently insufficient to determine the role of this variant in disease. Therefore, it has been classified as a Variant of Uncertain Significance.

NM_001379286.1(ZNF423):c.2090C>T (p.Ser697Leu)

Gene: ZNF423 (zinc finger protein 423; minus strand). Cytogenetic location: 16q12.1.
Variant type: single nucleotide variant.
Coding change: c.2090C>T on transcript NM_001379286.1 (MANE Select); coding-DNA position 2090, C replaced by T.
Protein change: p.Ser697Leu; replaces serine 697 with leucine.
Molecular consequence: missense variant.
Genome position (GRCh38, 1-based): chr16:49,637,086, G>A on the plus strand (C>T on the coding strand, the complement: ZNF423 is on the minus strand). VCF-style: chr16-49637086-G-A. GRCh37 (hg19) VCF-style: chr16-49670997-G-A.
Other names: c.1886C>T, p.Ser629Leu (NM_001271620.2); c.1715C>T, p.Ser572Leu (NM_001330533.2); c.2066C>T, p.Ser689Leu (NM_015069.5); short protein forms S629L, S572L, S689L, S697L.
Identifiers: ClinVar variation 1358062 (VCV001358062.5), dbSNP rs745433383, ClinGen allele CA8046570.